The following is an entry in ClinVar:

NM_001267550.2(TTN):c.75482dup (p.Ser25162fs)

Genes: TTN-AS1 (TTN antisense RNA 1; plus strand), TTN (titin; minus strand). Cytogenetic location: 2q31.2.
Variant type: Duplication.
Coding change: c.75482dup on transcript NM_001267550.2 (MANE Select); coding-DNA position 75482, one base duplicated (A; older notation c.75482dupA).
Protein change: p.Ser25162fs; shifts the reading frame from serine 25162.
Molecular consequence: frameshift variant.
Genome position (GRCh38, 1-based): chr2:178,570,650, T duplicated on the plus strand (A on the coding strand, the reverse complement: TTN is on the minus strand); the first of 3 consecutive T bases (chr2:178,570,650-178,570,652); duplicating any one gives the same sequence. VCF-style (leftmost placement, unchanged base first): chr2-178570649-C-CT. GRCh37 (hg19) VCF-style: chr2-179435376-C-CT.
Other names: c.70559dup, p.Ser23521fs (NM_001256850.1); c.48287dup, p.Ser16097fs (NM_003319.4); c.67778dup, p.Ser22594fs (NM_133378.4); c.48662dup, p.Ser16222fs (NM_133432.3); c.48863dup, p.Ser16289fs (NM_133437.4); short protein forms S16097fs, S16289fs, S22594fs, S16222fs, S23521fs, S25162fs.
Identifiers: ClinVar variation 2946149 (VCV002946149.3), dbSNP rs775559795, ClinGen allele CA2740096016.

ClinVar aggregate classification (germline): Likely pathogenic (1 of 4 stars; one submission).

Conditions:
Dilated cardiomyopathy 1G (CMD1G). Identifiers: Orphanet 154, MedGen C1858763, MONDO:0011400, OMIM 604145.
Autosomal recessive limb-girdle muscular dystrophy type 2J (LGMDR10). Also called: Limb-girdle muscular dystrophy, type 2J; MUSCULAR DYSTROPHY, LIMB-GIRDLE, AUTOSOMAL RECESSIVE 10. Identifiers: Orphanet 140922, MedGen C1837342, MONDO:0012127, OMIM 608807.

Submission:

Labcorp Genetics (formerly Invitae), Labcorp
Classification: Likely pathogenic for Dilated cardiomyopathy 1G; Autosomal recessive limb-girdle muscular dystrophy type 2J. Last evaluated: 2023-04-05. Review status: criteria provided, single submitter. Criteria: Invitae Variant Classification Sherloc (09022015). Collection method: clinical testing. Allele origin: germline.
Comment: This variant is located in the A band of TTN (PMID: 25589632). Truncating variants in this region are significantly overrepresented in patients affected with dilated cardiomyopathy (PMID: 25589632). Truncating variants in this region have also been reported in individuals affected with autosomal recessive centronuclear myopathy (PMID: 23975875). This sequence change creates a premature translational stop signal (p.Ser25162Glufs*42) in the TTN gene. While this is not anticipated to result in nonsense mediated decay, it is expected to create a truncated TTN protein. This variant is not present in population databases (gnomAD no frequency). This variant has not been reported in the literature in individuals affected with TTN-related conditions. In summary, the currently available evidence indicates that the variant is pathogenic, but additional data are needed to prove that conclusively. Therefore, this variant has been classified as Likely Pathogenic.

Literature cited by the submitters: PubMed 25589632; PubMed 23975875.